The following is an entry in ClinVar:

NM_000278.5(PAX2):c.665A>G (p.Asp222Gly)

Gene: PAX2 (paired box 2; plus strand). Cytogenetic location: 10q24.31.
Variant type: single nucleotide variant.
Coding change: c.665A>G on transcript NM_000278.5 (MANE Select); coding-DNA position 665, A replaced by G.
Protein change: p.Asp222Gly; replaces aspartic acid 222 with glycine.
Molecular consequence: missense variant.
Genome position (GRCh38, 1-based): chr10:100,806,478, A>G. VCF-style: chr10-100806478-A-G. GRCh37 (hg19) VCF-style: chr10-102566235-A-G.
Other names: c.758A>G, p.Asp253Gly (NM_001304569.2); c.734A>G, p.Asp245Gly (NM_003987.5, NM_003990.5); c.665A>G, p.Asp222Gly (NM_003988.5, NM_003989.5); short protein forms D222G, D253G, D245G.
Identifiers: ClinVar variation 1992298 (VCV001992298.6), dbSNP rs1417058292, ClinGen allele CA378258952.
Genomic context (GRCh38, chr10:100,806,478, plus strand): 5'-TGTGTTCTCCAGATGTGTCTGAGGGCTCAGTCCCCAATGGAGATTCCCAGAGTGGTGTGG[A>G]CAGTTTGCGGAAGCACTTGCGAGCTGACACCTTCACCCAGCAGCAGCTGGAAGCTTTGGA-3'
Protein context (NP_000269.3, residues 212-232): VPNGDSQSGV[Asp222Gly]SLRKHLRADT

ClinVar aggregate classification (germline): Uncertain significance. Review status: criteria provided, multiple submitters, no conflicts (2 of 4 stars). 3 submissions from 3 submitters: Uncertain significance (3). Last evaluated 2024-05-22.

Conditions:
Focal segmental glomerulosclerosis 7 (FSGS7). Identifiers: Orphanet 656, MedGen C4014925, MONDO:0014451, OMIM 616002.
Renal coloboma syndrome (PAPRS). Also called: OPTIC COLOBOMA, VESICOURETERAL REFLUX, AND RENAL ANOMALIES; OPTIC NERVE COLOBOMA WITH RENAL DISEASE; RENAL-COLOBOMA SYNDROME WITH MACULAR ABNORMALITIES; PAPILLORENAL SYNDROME; COLOBOMA OF OPTIC NERVE WITH RENAL DISEASE; PAPILLORENAL SYNDROME WITH MILD OCULAR ABNORMALITIES. Identifiers: Orphanet 1475, MedGen C1852759, MONDO:0007352, OMIM 120330.

Allele frequency attached by ClinVar (database versions not stated): gnomAD exomes below 0.00001; gnomAD 0.00001; TOPMed 0.00001.
gnomAD v4.1: 6 of 1,614,082 alleles (0.00037%); highest among the groups gnomAD compares: African/African-American, 0.004%; no homozygotes.

Submissions (3):

Fulgent Genetics
Classification: Uncertain significance for Renal coloboma syndrome; Focal segmental glomerulosclerosis 7. Last evaluated: 2024-05-22. Review status: criteria provided, single submitter. Criteria: ACMG Guidelines, 2015. Collection method: clinical testing. Allele origin: germline.

Labcorp Genetics (formerly Invitae), Labcorp
Classification: Uncertain significance for Renal coloboma syndrome; Focal segmental glomerulosclerosis 7. Last evaluated: 2022-10-13. Review status: criteria provided, single submitter. Criteria: Invitae Variant Classification Sherloc (09022015). Collection method: clinical testing. Allele origin: germline.
Comment: This sequence change replaces aspartic acid, which is acidic and polar, with glycine, which is neutral and non-polar, at codon 222 of the PAX2 protein (p.Asp222Gly). This variant is not present in population databases (gnomAD no frequency). This variant has not been reported in the literature in individuals affected with PAX2-related conditions. Experimental studies and prediction algorithms are not available or were not evaluated, and the functional significance of this variant is currently unknown. In summary, the available evidence is currently insufficient to determine the role of this variant in disease. Therefore, it has been classified as a Variant of Uncertain Significance.

Blueprint Genetics
Classification: Uncertain significance. Last evaluated: 2018-06-26. Review status: criteria provided, single submitter. Criteria: ACMG Guidelines, 2015. Collection method: clinical testing. Allele origin: germline.